The following is an entry in ClinVar:

NM_198334.3(GANAB):c.253G>A (p.Val85Met)

Gene: GANAB (glucosidase II alpha subunit; minus strand). Cytogenetic location: 11q12.3.
Variant type: single nucleotide variant.
Coding change: c.253G>A on transcript NM_198334.3 (MANE Select); coding-DNA position 253, G replaced by A.
Protein change: p.Val85Met; replaces valine 85 with methionine.
Molecular consequence: missense variant. On other transcripts: 5 prime UTR variant (5), intron variant (2).
Genome position (GRCh38, 1-based): chr11:62,639,110, C>T on the plus strand (G>A on the coding strand, the complement: GANAB is on the minus strand). VCF-style: chr11-62639110-C-T. GRCh37 (hg19) VCF-style: chr11-62406582-C-T.
Other names: c.-39G>A (NM_001278194.2, NM_001329222.2, NM_001329223.2); c.-524G>A (NM_001329224.2, NM_001329225.2); c.253G>A, p.Val85Met (NM_198335.4); c.39-4110G>A (NM_001278193.2, NM_001278192.2); c.253G>A (NM_198335.2); short protein forms V85M.
Identifiers: ClinVar variation 1479450 (VCV001479450.9), dbSNP rs1033126561, ClinGen allele CA223053186.

ClinVar aggregate classification (germline): Conflicting classifications of pathogenicity. Review status: criteria provided, conflicting classifications (1 of 4 stars). 3 submissions from 3 submitters: Uncertain significance (2); Likely benign (1). Last evaluated 2024-03-29.

Conditions:
Polycystic kidney disease 3 with or without polycystic liver disease. Also called: Polycystic Kidney and/or Polycystic Liver Disease 3; Polycystic kidney disease 3; POLYCYSTIC KIDNEY DISEASE, ADULT, TYPE III. Identifiers: MedGen C3887964, MONDO:0010916, OMIM 600666.
Inborn genetic diseases. Identifiers: MedGen C0950123, MeSH D030342.

Allele frequency attached by ClinVar (database versions not stated): gnomAD 0.00005 and 0.00006; TOPMed 0.00017.
gnomAD v4.1: 10 of 1,613,616 alleles (0.00062%); highest among the groups gnomAD compares: Admixed American, 0.013%; no homozygotes.

Submissions (3):

Fulgent Genetics
Classification: Likely benign for Polycystic kidney disease 3 with or without polycystic liver disease. Last evaluated: 2024-03-29. Review status: criteria provided, single submitter. Criteria: ACMG Guidelines, 2015. Collection method: clinical testing. Allele origin: germline.

Labcorp Genetics (formerly Invitae), Labcorp
Classification: Uncertain significance. Last evaluated: 2023-08-04. Review status: criteria provided, single submitter. Criteria: Invitae Variant Classification Sherloc (09022015). Collection method: clinical testing. Allele origin: germline.
Comment: In summary, the available evidence is currently insufficient to determine the role of this variant in disease. Therefore, it has been classified as a Variant of Uncertain Significance. ClinVar contains an entry for this variant (Variation ID: 1479450). An algorithm developed to predict the effect of missense changes on protein structure and function (PolyPhen-2) suggests that this variant is likely to be disruptive. This variant has not been reported in the literature in individuals affected with GANAB-related conditions. This variant is present in population databases (no rsID available, gnomAD 0.1%). This sequence change replaces valine, which is neutral and non-polar, with methionine, which is neutral and non-polar, at codon 85 of the GANAB protein (p.Val85Met).

Ambry Genetics
Classification: Uncertain significance for Inborn genetic diseases. Last evaluated: 2021-09-17. Review status: criteria provided, single submitter. Criteria: Ambry Variant Classification Scheme 2023. Collection method: clinical testing. Allele origin: germline.